The following is an entry in ClinVar:

ClinVar aggregate classification (germline): Pathogenic (1 of 4 stars; one submission).

Conditions:
Hereditary cancer-predisposing syndrome. Also called: Neoplastic Syndromes, Hereditary; Tumor predisposition; Hereditary Cancer Syndrome; Hereditary neoplastic syndrome. Identifiers: Orphanet 140162, MedGen C0027672, MeSH D009386, MONDO:0015356.

Submission:

Ambry Genetics
Classification: Pathogenic for Hereditary cancer-predisposing syndrome. Last evaluated: 2019-10-28. Review status: criteria provided, single submitter. Criteria: Ambry Variant Classification Scheme 2023. Collection method: clinical testing. Allele origin: germline.
Comment: The c.1862dupT pathogenic mutation, located in coding exon 4 of the MSH6 gene, results from a duplication of T at nucleotide position 1862, causing a translational frameshift with a predicted alternate stop codon (p.I622Dfs*18). This alteration is expected to result in loss of function by premature protein truncation or nonsense-mediated mRNA decay. As such, this alteration is interpreted as a disease-causing mutation.

NM_000179.3(MSH6):c.1862dup (p.Ile622fs)

Gene: MSH6 (mutS homolog 6; plus strand). Cytogenetic location: 2p16.3.
Variant type: Duplication.
Coding change: c.1862dup on transcript NM_000179.3 (MANE Select); coding-DNA position 1862, one base duplicated (T; older notation c.1862dupT).
Protein change: p.Ile622fs; shifts the reading frame from isoleucine 622.
Molecular consequence: frameshift variant.
Genome position (GRCh38, 1-based): chr2:47,799,845, T duplicated. VCF-style (leftmost placement, unchanged base first): chr2-47799844-C-CT. GRCh37 (hg19) VCF-style: chr2-48026983-C-CT.
Other names: c.1472dup, p.Ile492fs (NM_001281492.2); c.956dup, p.Ile320fs (NM_001281493.2, NM_001281494.2); short protein forms I622fs, I320fs, I492fs.
Identifiers: ClinVar variation 820208 (VCV000820208.4), dbSNP rs1572724689, ClinGen allele CA915943923.